The following is an entry in ClinVar:

ClinVar aggregate classification (germline): Likely pathogenic (1 of 4 stars; one submission).

Conditions:
Progressive muscular dystrophy. Identifiers: Orphanet 206644, MedGen C4551827, MONDO:0016106.

Submission:

Myriad Genetics, Inc.
Classification: Likely pathogenic for Progressive muscular dystrophy. Last evaluated: 2021-12-03. Review status: criteria provided, single submitter. Criteria: Myriad Autosomal Dominant, Autosomal Recessive and X-Linked Classification Criteria (2023). Collection method: clinical testing. Allele origin: unknown.
Comment: NM_004006.2(DMD):c.2692A>T(K898*) is expected to be pathogenic in the context of dystrophinopathy (including Duchenne/Becker muscular dystrophy). This variant is predicted to lead to an abnormal or absent protein product due to the creation of a premature termination codon in DMD, a gene where loss-of-function variants are known to be pathogenic. Please note: this variant was assessed in the context of healthy population screening.

NM_004006.3(DMD):c.2692A>T (p.Lys898Ter)

Gene: DMD (dystrophin; minus strand). Cytogenetic location: Xp21.1.
Variant type: single nucleotide variant.
Coding change: c.2692A>T on transcript NM_004006.3 (MANE Select); coding-DNA position 2692, A replaced by T.
Protein change: p.Lys898Ter; replaces lysine 898 with a stop codon.
Molecular consequence: nonsense.
Genome position (GRCh38, 1-based): chrX:32,485,030, T>A on the plus strand (A>T on the coding strand, the complement: DMD is on the minus strand). VCF-style: chrX-32485030-T-A. GRCh37 (hg19) VCF-style: chrX-32503147-T-A.
Other names: c.2668A>T, p.Lys890Ter (NM_000109.4); c.2680A>T, p.Lys894Ter (NM_004009.3); c.2323A>T, p.Lys775Ter (NM_004010.3); short protein forms K775*, K890*, K894*, K898*.
Identifiers: ClinVar variation 1725491 (VCV001725491.3), dbSNP rs369648601, ClinGen allele CA412670892.